The following is an entry in ClinVar:

ClinVar aggregate classification (germline): Uncertain significance (1 of 4 stars; one submission).

Conditions:
ZFPM2-related disorder. Also called: ZFPM2-related condition.

Submission:

PreventionGenetics, part of Exact Sciences
Classification: Uncertain significance for ZFPM2-related condition. Last evaluated: 2022-12-19. Review status: criteria provided, single submitter. Criteria: ACMG Guidelines, 2015. Collection method: clinical testing. Allele origin: germline.
Comment: The ZFPM2 c.3175C>T variant is predicted to result in premature protein termination (p.Gln1059*). This variant is located in the final exon of ZFPM2 and is not predicted to undergo nonsense mediated decay. To our knowledge, this variant has not been reported in the literature or in a large population database, indicating this variant is rare. Nonsense variants are known to be pathogenic; however, to our knowledge, only one truncating variant has been reported downstream of this variant (c.3186delC in Longoni et al. 2015. PubMed ID: 24702427). At this time, the clinical significance of this variant is uncertain due to the absence of conclusive functional and genetic evidence.

NM_012082.4(ZFPM2):c.3175C>T (p.Gln1059Ter)

Genes: ZFPM2 (zinc finger protein, FOG family member 2; plus strand), ZFPM2-AS1 (ZFPM2 antisense RNA 1; minus strand), LOC126860469 (BRD4-independent group 4 enhancer GRCh37_chr8:106814445-106815644; plus strand). Cytogenetic location: 8q23.1.
Variant type: single nucleotide variant.
Coding change: c.3175C>T on transcript NM_012082.4 (MANE Select); coding-DNA position 3175, C replaced by T.
Protein change: p.Gln1059Ter; replaces glutamine 1059 with a stop codon.
Molecular consequence: nonsense.
Genome position (GRCh38, 1-based): chr8:105,803,257, C>T. VCF-style: chr8-105803257-C-T. GRCh37 (hg19) VCF-style: chr8-106815485-C-T.
Other names: c.3016C>T, p.Gln1006Ter (NM_001362836.2); c.2779C>T, p.Gln927Ter (NM_001362837.2); short protein forms Q1006*, Q1059*, Q927*.
Identifiers: ClinVar variation 2629935 (VCV002629935.1), dbSNP rs2488164879, ClinGen allele CA371956739.